The following is an entry in ClinVar:

ClinVar aggregate classification (germline): Benign (1 of 4 stars; one submission).

Conditions:
Leigh syndrome (NULS). Also called: Leigh's necrotizing encephalopathy; Leigh's disease; Leigh's syndrome; LEIGH SYNDROME, NUCLEAR; Leigh Syndrome (mtDNA deletion); Leigh Disease. Identifiers: Orphanet 506, MedGen C2931891, MONDO:0009723, OMIM 256000.

Submission:

Wong Mito Lab, Molecular and Human Genetics, Baylor College of Medicine
Classification: Benign for Leigh syndrome. Last evaluated: 2019-10-17. Review status: criteria provided, single submitter. Criteria: Modified ACMG Guidelines (Unpublished). Collection method: clinical testing. Allele origin: germline.
Comment: The NC_012920.1:m.15074T>C (YP_003024038.1:p.Ser110Pro) variant in MTCYB gene is interpretated to be a Benign variant based on the modified ACMG guidelines (unpublished). This variant meets the following evidence codes: BS1, BS2

NC_012920.1(MT-CYB):m.15074T>C

Gene: MT-CYB (mitochondrially encoded cytochrome b; plus strand).
Variant type: single nucleotide variant.
Genome position: chrM-15074-T-C.
Identifiers: ClinVar variation 693819 (VCV000693819.1), dbSNP rs201169089, ClinGen allele CA337100262.